The following is an entry in ClinVar:

NM_000214.3(JAG1):c.2924_2925dup (p.Thr976fs)

Gene: JAG1 (jagged canonical Notch ligand 1; minus strand). Cytogenetic location: 20p12.2.
Variant type: Duplication.
Coding change: c.2924_2925dup on transcript NM_000214.3 (MANE Select); coding-DNA positions 2924 to 2925, 2 bases duplicated (CT; older notation c.2924_2925dupCT).
Protein change: p.Thr976fs; shifts the reading frame from threonine 976.
Molecular consequence: frameshift variant.
Genome position (GRCh38, 1-based): chr20:10,641,236-10,641,237, AG duplicated on the plus strand (CT on the coding strand, the reverse complement: JAG1 is on the minus strand). VCF-style (leftmost placement, unchanged base first): chr20-10641235-T-TAG. GRCh37 (hg19) VCF-style: chr20-10621883-T-TAG.
Other names: c.2924_2925dup, p.Thr976fs (LRG_1191t1); short protein forms T976fs.
Identifiers: ClinVar variation 213571 (VCV000213571.1), dbSNP rs863223683, ClinGen allele CA320830.

ClinVar aggregate classification (germline): Pathogenic (1 of 4 stars; one submission).

Submission:

GeneDx
Classification: Pathogenic. Last evaluated: 2014-10-30. Review status: criteria provided, single submitter. Criteria: GeneDx Variant Classification (06012015). Collection method: clinical testing. Allele origin: germline. Affected: yes.
Comment: The c.2924_2925dupCT mutation in the JAG1 gene causes a frameshift starting with codon Threonine 976, changes this amino acid to a Leucine residue and creates a premature Stop codon at position 9 of the new reading frame, denoted p.Thr976LeufsX9. This mutation is predicted to cause loss of normal protein function either through protein truncation or nonsense-mediated mRNA decay. Although this mutation has not been previously reported to our knowledge, its presence is consistent with the diagnosis of Alagille syndrome. This variant was found in JAG1-T1